The following is an entry in ClinVar:

NM_001204.7(BMPR2):c.2874G>T (p.Glu958Asp)

Gene: BMPR2 (bone morphogenetic protein receptor type 2; plus strand). Cytogenetic location: 2q33.2.
Variant type: single nucleotide variant.
Coding change: c.2874G>T on transcript NM_001204.7 (MANE Select); coding-DNA position 2874, G replaced by T.
Protein change: p.Glu958Asp; replaces glutamic acid 958 with aspartic acid.
Molecular consequence: missense variant.
Genome position (GRCh38, 1-based): chr2:202,559,703, G>T. VCF-style: chr2-202559703-G-T. GRCh37 (hg19) VCF-style: chr2-203424426-G-T.
Other names: short protein forms E958D.
Identifiers: ClinVar variation 3992203 (VCV003992203.1).

ClinVar aggregate classification (germline): Uncertain significance (1 of 4 stars; one submission).

Conditions:
Inborn genetic diseases. Identifiers: MedGen C0950123, MeSH D030342.

Submission:

Ambry Genetics
Classification: Uncertain significance for Inborn genetic diseases. Last evaluated: 2025-05-25. Review status: criteria provided, single submitter. Criteria: Ambry Variant Classification Scheme 2023. Collection method: clinical testing. Allele origin: germline.
Comment: The p.E958D variant (also known as c.2874G>T), located in coding exon 13 of the BMPR2 gene, results from a G to T substitution at nucleotide position 2874. The glutamic acid at codon 958 is replaced by aspartic acid, an amino acid with highly similar properties. This amino acid position is conserved. In addition, this alteration is predicted to be tolerated by in silico analysis. Based on the available evidence, the clinical significance of this variant remains unclear.